The following is an entry in ClinVar:

ClinVar aggregate classification (germline): Uncertain significance. Review status: criteria provided, single submitter (1 of 4 stars). 2 submissions from 2 submitters: Uncertain significance (1). 1 of the submissions does not count toward it. Last evaluated 2025-02-21.

Conditions:
Pyruvate dehydrogenase E1-beta deficiency (PDHBD). Identifiers: Orphanet 255138, Orphanet 765, MedGen C3279841, MONDO:0013580, OMIM 614111.

Allele frequency attached by ClinVar (database versions not stated): gnomAD exomes below 0.00001; ExAC 0.00001; ESP Exome Variant Server 0.00008.

Submissions (2):

Women's Health and Genetics/Laboratory Corporation of America, LabCorp
Classification: Uncertain significance. Last evaluated: 2025-02-21. Review status: criteria provided, single submitter. Criteria: LabCorp Variant Classification Summary - May 2015. Collection method: clinical testing. Allele origin: germline.
Comment: Variant summary: PDHB c.916T>C (p.Cys306Arg) results in a non-conservative amino acid change located in the transketolase, C-terminal domain (IPR033248) of the encoded protein sequence. Five of five in-silico tools predict a damaging effect of the variant on protein function. The variant allele was found at a frequency of 4e-06 in 251424 control chromosomes. The available data on variant occurrences in the general population are insufficient to allow any conclusion about variant significance. c.916T>C has been reported in the literature in an individual affected with Pyruvate Dehydrogenase Deficiency (Okajima_2008). This report does not provide unequivocal conclusions about association of the variant with Pyruvate Dehydrogenase E1-Beta Deficiency. The following publication has been ascertained in the context of this evaluation (PMID: 18164639). ClinVar contains an entry for this variant (Variation ID: 978589). Based on the evidence outlined above, the variant was classified as uncertain significance.

OMIM
Classification: Pathogenic for PYRUVATE DEHYDROGENASE E1-BETA DEFICIENCY. Last evaluated: 2020-09-25. Review status: no assertion criteria provided. Collection method: literature only. Allele origin: germline. Not counted in ClinVar's aggregate classification.

Literature cited by the submitters: PubMed 18164639 (cited by Women's Health and Genetics/Laboratory Corporation of America, LabCorp and OMIM).

NM_000925.4(PDHB):c.916T>C (p.Cys306Arg)

Gene: PDHB (pyruvate dehydrogenase E1 subunit beta; minus strand). Cytogenetic location: 3p14.3.
Variant type: single nucleotide variant.
Coding change: c.916T>C on transcript NM_000925.4 (MANE Select); coding-DNA position 916, T replaced by C.
Protein change: p.Cys306Arg; replaces cysteine 306 with arginine.
Molecular consequence: missense variant. On other transcripts: non-coding transcript variant (1).
Genome position (GRCh38, 1-based): chr3:58,428,491, A>G on the plus strand (T>C on the coding strand, the complement: PDHB is on the minus strand). VCF-style: chr3-58428491-A-G. GRCh37 (hg19) VCF-style: chr3-58414218-A-G.
Other names: c.862T>C, p.Cys288Arg (NM_001173468.2, NM_001315536.2); short protein forms C306R, C288R.
Identifiers: ClinVar variation 978589 (VCV000978589.3), dbSNP rs145876456, ClinGen allele CA2471425.